The following is an entry in ClinVar:

ClinVar aggregate classification (germline): Likely pathogenic. Review status: criteria provided, multiple submitters, no conflicts (2 of 4 stars). 2 submissions from 2 submitters: Likely pathogenic (2). Last evaluated 2025-02-06.

Conditions:
Marfan syndrome (MFS). Also called: Marfan's syndrome; Marfan syndrome, classic; MARFAN SYNDROME, TYPE I; Marfan syndrome type 1; FBN1-Related Marfan Syndrome. Identifiers: Orphanet 284963, Orphanet 558, MedGen C0024796, MONDO:0007947, OMIM 154700.
Familial thoracic aortic aneurysm and aortic dissection (TAAD). Also called: Thoracic aortic aneurysms and dissections. Identifiers: Orphanet 91387, MedGen C4707243, MONDO:0019625.

Submissions (2):

Labcorp Genetics (formerly Invitae), Labcorp
Classification: Likely pathogenic for Marfan syndrome; Familial thoracic aortic aneurysm and aortic dissection. Last evaluated: 2025-02-06. Review status: criteria provided, single submitter. Criteria: Invitae Variant Classification Sherloc (09022015). Collection method: clinical testing. Allele origin: germline.
Comment: This sequence change replaces aspartic acid, which is acidic and polar, with glycine, which is neutral and non-polar, at codon 1930 of the FBN1 protein (p.Asp1930Gly). This variant is not present in population databases (gnomAD no frequency). This missense change has been observed in individuals with clinical features of FBN1-related conditions (PMID: 21883168; internal data). It has also been observed to segregate with disease in related individuals. ClinVar contains an entry for this variant (Variation ID: 1723088). An algorithm developed to predict the effect of missense changes on protein structure and function (PolyPhen-2) suggests that this variant is likely to be disruptive. RNA analysis performed to evaluate the impact of this missense change on mRNA splicing indicates it does not significantly alter splicing (PMID: 21895641, 25636182, 32123317). In summary, the currently available evidence indicates that the variant is pathogenic, but additional data are needed to prove that conclusively. Therefore, this variant has been classified as Likely Pathogenic.

GeneDx
Classification: Likely pathogenic. Last evaluated: 2022-10-06. Review status: criteria provided, single submitter. Criteria: GeneDx Variant Classification Process June 2021. Collection method: clinical testing. Allele origin: germline. Affected: yes.
Comment: Not observed at significant frequency in large population cohorts (gnomAD); In silico analysis supports that this missense variant has a deleterious effect on protein structure/function; This variant is associated with the following publications: (PMID: 21895641, 20886638, 17657824, 21883168, 32123317, 25636182)

Literature cited by the submitters: PubMed 21883168 (cited by Labcorp Genetics (formerly Invitae), Labcorp); PubMed 21895641 (cited by Labcorp Genetics (formerly Invitae), Labcorp); PubMed 25636182 (cited by Labcorp Genetics (formerly Invitae), Labcorp); PubMed 32123317 (cited by Labcorp Genetics (formerly Invitae), Labcorp).

NM_000138.5(FBN1):c.5789A>G (p.Asp1930Gly)

Gene: FBN1 (fibrillin 1; minus strand). Cytogenetic location: 15q21.1.
Variant type: single nucleotide variant.
Coding change: c.5789A>G on transcript NM_000138.5 (MANE Select); coding-DNA position 5789, A replaced by G.
Protein change: p.Asp1930Gly; replaces aspartic acid 1930 with glycine.
Molecular consequence: missense variant.
Genome position (GRCh38, 1-based): chr15:48,445,504, T>C on the plus strand (A>G on the coding strand, the complement: FBN1 is on the minus strand). VCF-style: chr15-48445504-T-C. GRCh37 (hg19) VCF-style: chr15-48737701-T-C.
Other names: c.5789A>G, p.Asp1930Gly (NM_001406716.1); short protein forms D1930G.
Identifiers: ClinVar variation 1723088 (VCV001723088.7), dbSNP rs2505455752, ClinGen allele CA392340280.